The following is an entry in ClinVar:

ClinVar aggregate classification (germline): Uncertain significance (1 of 4 stars; one submission).

Conditions:
Leukodystrophy, hypomyelinating, 6. Also called: TUBB4A-Associated Leukodystrophy; LEUKODYSTROPHY, HYPOMYELINATING, WITH ATROPHY OF THE BASAL GANGLIA AND CEREBELLUM; Hypomyelination with Atrophy of Basal Ganglia and Cerebellum (H-ABC). Identifiers: Orphanet 139441, MedGen C2676244, MONDO:0012905, OMIM 612438.

Submission:

3billion
Classification: Uncertain significance for Leukodystrophy, hypomyelinating, 6. Last evaluated: 2025-09-11. Review status: criteria provided, single submitter. Criteria: ACMG Guidelines, 2015. Collection method: clinical testing. Allele origin: germline. Affected: yes.
Comment: The variant is not observed in the gnomAD v4.1.0 dataset. Predicted Consequence/Location: Inframe insertion located in a nonrepeat region: predicted to change the length of the protein and disrupt normal protein function. Therefore, this variant is classified as VUS according to the recommendation of ACMG/AMP guideline.

NM_006087.4(TUBB4A):c.257_259dup (p.Arg86_Pro87insArg)

Gene: TUBB4A (tubulin beta 4A class IVa; minus strand). Cytogenetic location: 19p13.3.
Variant type: Duplication.
Coding change: c.257_259dup on transcript NM_006087.4 (MANE Select); coding-DNA positions 257 to 259, 3 bases duplicated (GGC; older notation c.257_259dupGGC).
Protein change: p.Arg86_Pro87insArg.
Molecular consequence: inframe insertion.
Genome position (GRCh38, 1-based): chr19:6,501,305-6,501,307, GCC duplicated on the plus strand (GGC on the coding strand, the reverse complement: TUBB4A is on the minus strand); duplicating any 3 consecutive bases within chr19:6,501,305-6,501,308 gives the same sequence; the c. name uses the placement nearest the transcript's 3' end. VCF-style (leftmost placement, unchanged base first): chr19-6501304-G-GGCC. GRCh37 (hg19) VCF-style: chr19-6501315-G-GGCC.
Other names: c.410_412dup, p.Arg137_Pro138insArg (NM_001289123.2); c.392_394dup, p.Arg131_Pro132insArg (NM_001289127.2); c.257_259dup, p.Arg86_Pro87insArg (NM_001289129.2); c.41_43dup, p.Arg14_Pro15insArg (NM_001289130.2, NM_001289131.2).
Identifiers: ClinVar variation 4856296 (VCV004856296.1).